The following is an entry in ClinVar:

NM_022166.4(XYLT1):c.2378C>T (p.Ala793Val)

Gene: XYLT1 (xylosyltransferase 1; minus strand). Cytogenetic location: 16p12.3.
Variant type: single nucleotide variant.
Coding change: c.2378C>T on transcript NM_022166.4 (MANE Select); coding-DNA position 2378, C replaced by T.
Protein change: p.Ala793Val; replaces alanine 793 with valine.
Molecular consequence: missense variant.
Genome position (GRCh38, 1-based): chr16:17,117,825, G>A on the plus strand (C>T on the coding strand, the complement: XYLT1 is on the minus strand). VCF-style: chr16-17117825-G-A. GRCh37 (hg19) VCF-style: chr16-17211682-G-A.
Other names: c.2378C>T (NM_022166.3); short protein forms A793V.
Identifiers: ClinVar variation 1411539 (VCV001411539.8), dbSNP rs369216955, ClinGen allele CA7927587.

ClinVar aggregate classification (germline): Uncertain significance. Review status: criteria provided, multiple submitters, no conflicts (2 of 4 stars). 2 submissions from 2 submitters: Uncertain significance (2). Last evaluated 2025-10-22.

Conditions:
Inborn genetic diseases. Identifiers: MedGen C0950123, MeSH D030342.
Desbuquois dysplasia 1 (DBQD1). Also called: MICROMELIC DWARFISM WITH VERTEBRAL AND METAPHYSEAL ABNORMALITIES AND ADVANCED CARPOTARSAL OSSIFICATION; DESBUQUOIS DYSPLASIA 1, KIM VARIANT. Identifiers: Orphanet 1425, MedGen C4012146, MONDO:0009629, OMIM 251450.

Allele frequency attached by ClinVar (database versions not stated): ExAC 0.00002; gnomAD exomes 0.00002.
gnomAD v4.1: 19 of 1,614,016 alleles (0.0012%); highest among the groups gnomAD compares: East Asian, 0.016%; no homozygotes.

Submissions (2):

Ambry Genetics
Classification: Uncertain significance for Inborn genetic diseases. Last evaluated: 2025-10-22. Review status: criteria provided, single submitter. Criteria: Ambry Variant Classification Scheme 2023. Collection method: clinical testing. Allele origin: germline.

Labcorp Genetics (formerly Invitae), Labcorp
Classification: Uncertain significance for Desbuquois dysplasia 1. Last evaluated: 2024-10-08. Review status: criteria provided, single submitter. Criteria: Invitae Variant Classification Sherloc (09022015). Collection method: clinical testing. Allele origin: germline.
Comment: This sequence change replaces alanine, which is neutral and non-polar, with valine, which is neutral and non-polar, at codon 793 of the XYLT1 protein (p.Ala793Val). This variant is present in population databases (rs369216955, gnomAD 0.02%). This variant has not been reported in the literature in individuals affected with XYLT1-related conditions. ClinVar contains an entry for this variant (Variation ID: 1411539). Invitae Evidence Modeling of protein sequence and biophysical properties (such as structural, functional, and spatial information, amino acid conservation, physicochemical variation, residue mobility, and thermodynamic stability) indicates that this missense variant is not expected to disrupt XYLT1 protein function with a negative predictive value of 80%. In summary, the available evidence is currently insufficient to determine the role of this variant in disease. Therefore, it has been classified as a Variant of Uncertain Significance.